The following is an entry in ClinVar:

ClinVar aggregate classification (germline): Uncertain significance. Review status: criteria provided, multiple submitters, no conflicts (2 of 4 stars). 2 submissions from 2 submitters: Uncertain significance (2). Last evaluated 2025-02-09.

Conditions:
Baller-Gerold syndrome (BGS). Also called: CRANIOSYNOSTOSIS WITH RADIAL DEFECTS. Identifiers: Orphanet 1225, MedGen C0265308, MONDO:0009039, OMIM 218600.
Inborn genetic diseases. Identifiers: MedGen C0950123, MeSH D030342.

Allele frequency attached by ClinVar (database versions not stated): TOPMed below 0.00001.
gnomAD v4.1: 3 of 1,612,930 alleles (0.00019%); highest among the groups gnomAD compares: Non-Finnish European, 0.00025%; no homozygotes.

Submissions (2):

Ambry Genetics
Classification: Uncertain significance for Inborn genetic diseases. Last evaluated: 2025-02-09. Review status: criteria provided, single submitter. Criteria: Ambry Variant Classification Scheme 2023. Collection method: clinical testing. Allele origin: germline.
Comment: The p.G335D variant (also known as c.1004G>A), located in coding exon 5 of the RECQL4 gene, results from a G to A substitution at nucleotide position 1004. The glycine at codon 335 is replaced by aspartic acid, an amino acid with similar properties. This amino acid position is conserved. In addition, this alteration is predicted to be tolerated by in silico analysis. Based on the available evidence, the clinical significance of this variant remains unclear.

Labcorp Genetics (formerly Invitae), Labcorp
Classification: Uncertain significance for Baller-Gerold syndrome. Last evaluated: 2023-08-02. Review status: criteria provided, single submitter. Criteria: Invitae Variant Classification Sherloc (09022015). Collection method: clinical testing. Allele origin: germline.
Comment: In summary, the available evidence is currently insufficient to determine the role of this variant in disease. Therefore, it has been classified as a Variant of Uncertain Significance. Advanced modeling of protein sequence and biophysical properties (such as structural, functional, and spatial information, amino acid conservation, physicochemical variation, residue mobility, and thermodynamic stability) performed at Invitae indicates that this missense variant is not expected to disrupt RECQL4 protein function. ClinVar contains an entry for this variant (Variation ID: 963708). This variant has not been reported in the literature in individuals affected with RECQL4-related conditions. This variant is not present in population databases (gnomAD no frequency). This sequence change replaces glycine, which is neutral and non-polar, with aspartic acid, which is acidic and polar, at codon 335 of the RECQL4 protein (p.Gly335Asp).

NM_004260.4(RECQL4):c.1004G>A (p.Gly335Asp)

Gene: RECQL4 (RecQ like helicase 4; minus strand). Cytogenetic location: 8q24.3.
Variant type: single nucleotide variant.
Coding change: c.1004G>A on transcript NM_004260.4 (MANE Select); coding-DNA position 1004, G replaced by A.
Protein change: p.Gly335Asp; replaces glycine 335 with aspartic acid.
Molecular consequence: missense variant.
Genome position (GRCh38, 1-based): chr8:144,516,115, C>T on the plus strand (G>A on the coding strand, the complement: RECQL4 is on the minus strand). VCF-style: chr8-144516115-C-T. GRCh37 (hg19) VCF-style: chr8-145741499-C-T.
Other names: short protein forms G335D.
Identifiers: ClinVar variation 963708 (VCV000963708.8), dbSNP rs915387235, ClinGen allele CA187688514.